The following is an entry in ClinVar:

ClinVar aggregate classification (germline): Uncertain significance (1 of 4 stars; one submission).

Conditions:
Ataxia-telangiectasia syndrome (AT). Also called: LOUIS-BAR SYNDROME; Cerebello-oculocutaneous telangiectasia; Immunodeficiency with ataxia telangiectasia; Ataxia-telangiectasia, complementation group D; AT, COMPLEMENTATION GROUP C; ATAXIA-TELANGIECTASIA, COMPLEMENTATION GROUP A. Identifiers: Orphanet 100, MedGen C0004135, MONDO:0008840, OMIM 208900.

Submission:

Labcorp Genetics (formerly Invitae), Labcorp
Classification: Uncertain significance for Ataxia-telangiectasia syndrome. Last evaluated: 2025-07-27. Review status: criteria provided, single submitter. Criteria: Invitae Variant Classification Sherloc (09022015). Collection method: clinical testing. Allele origin: germline.
Comment: This sequence change replaces aspartic acid, which is acidic and polar, with valine, which is neutral and non-polar, at codon 2110 of the ATM protein (p.Asp2110Val). This variant is not present in population databases (gnomAD no frequency). This variant has not been reported in the literature in individuals affected with ATM-related conditions. Invitae Evidence Modeling of protein sequence and biophysical properties (such as structural, functional, and spatial information, amino acid conservation, physicochemical variation, residue mobility, and thermodynamic stability) has been performed for this missense variant. However, the output from this modeling did not meet the statistical confidence thresholds required to predict the impact of this variant on ATM protein function. In summary, the available evidence is currently insufficient to determine the role of this variant in disease. Therefore, it has been classified as a Variant of Uncertain Significance.

NM_000051.4(ATM):c.6329A>T (p.Asp2110Val)

Genes: ATM (ATM serine/threonine kinase; plus strand), C11orf65 (chromosome 11 open reading frame 65; minus strand). Cytogenetic location: 11q22.3.
Variant type: single nucleotide variant.
Coding change: c.6329A>T on transcript NM_000051.4 (MANE Select); coding-DNA position 6329, A replaced by T.
Protein change: p.Asp2110Val; replaces aspartic acid 2110 with valine.
Molecular consequence: missense variant. On other transcripts: intron variant (2).
Genome position (GRCh38, 1-based): chr11:108,317,503, A>T. VCF-style: chr11-108317503-A-T. GRCh37 (hg19) VCF-style: chr11-108188230-A-T.
Other names: c.6329A>T, p.Asp2110Val (NM_001351834.2); c.641-8432T>A (NM_001330368.2); c.*39-8432T>A (NM_001351110.2); short protein forms D2110V.
Identifiers: ClinVar variation 4747240 (VCV004747240.1).